The following is an entry in ClinVar:

ClinVar aggregate classification (germline): Pathogenic (1 of 4 stars; one submission).

Conditions:
Glycogen storage disease type III (GSD3). Also called: FORBES DISEASE; Cori disease. Identifiers: Orphanet 366, MedGen C0017922, MONDO:0009291, OMIM 232400.

Submission:

Labcorp Genetics (formerly Invitae), Labcorp
Classification: Pathogenic for Glycogen storage disease type III. Last evaluated: 2023-10-06. Review status: criteria provided, single submitter. Criteria: Invitae Variant Classification Sherloc (09022015). Collection method: clinical testing. Allele origin: germline.
Comment: This sequence change affects a donor splice site in intron 16 of the AGL gene. It is expected to disrupt RNA splicing. Variants that disrupt the donor or acceptor splice site typically lead to a loss of protein function (PMID: 16199547), and loss-of-function variants in AGL are known to be pathogenic (PMID: 19299494). This variant is not present in population databases (gnomAD no frequency). Disruption of this splice site has been observed in individual(s) with glycogen storage disease type III (PMID: 21857385). Algorithms developed to predict the effect of sequence changes on RNA splicing suggest that this variant may disrupt the consensus splice site. For these reasons, this variant has been classified as Pathogenic.

Literature cited by the submitters: PubMed 16199547; PubMed 19299494; PubMed 21857385.

NM_000642.3(AGL):c.2157+1G>T

Gene: AGL (amylo-alpha-1,6-glucosidase and 4-alpha-glucanotransferase; plus strand). Cytogenetic location: 1p21.2.
Variant type: single nucleotide variant.
Coding change: c.2157+1G>T on transcript NM_000642.3 (MANE Select); the canonical splice donor site of the intron after coding-DNA position 2157, G replaced by T.
Molecular consequence: splice donor variant.
Genome position (GRCh38, 1-based): chr1:99,881,448, G>T. VCF-style: chr1-99881448-G-T. GRCh37 (hg19) VCF-style: chr1-100347004-G-T.
Other names: c.2157+1G>T (NM_000643.3, NM_000644.3, NM_001425326.1 and 2 more transcripts); c.2109+1G>T (NM_000646.3); c.1956+1G>T (NM_001425327.1); c.1953+1G>T (NM_001425328.1, NM_001425329.1); c.1779+1G>T (NM_001425332.1).
Identifiers: ClinVar variation 2766447 (VCV002766447.3), dbSNP rs2524652589, ClinGen allele CA341319533.